The following is an entry in ClinVar:

ClinVar aggregate classification (germline): Uncertain significance. Review status: criteria provided, multiple submitters, no conflicts (2 of 4 stars). 3 submissions from 3 submitters: Uncertain significance (2). 1 of the submissions does not count toward it. Last evaluated 2024-08-10.

Conditions:
Autosomal recessive osteopetrosis 1. Also called: ALBERS-SCHONBERG DISEASE, AUTOSOMAL RECESSIVE; TCIRG1-Related Osteopetrosis; TCIRG1-Related Autosomal Recessive Osteopetrosis. Identifiers: Orphanet 667, MedGen C1850127, MONDO:0009815, OMIM 259700.

Allele frequency attached by ClinVar (database versions not stated): TOPMed 0.00003; gnomAD 0.00004 and 0.00003; ExAC 0.00001; gnomAD exomes 0.00002.
gnomAD v4.1: 23 of 1,613,626 alleles (0.0014%); highest among the groups gnomAD compares: African/African-American, 0.0093%; no homozygotes.

Submissions (3):

Labcorp Genetics (formerly Invitae), Labcorp
Classification: Uncertain significance. Last evaluated: 2024-08-10. Review status: criteria provided, single submitter. Criteria: Invitae Variant Classification Sherloc (09022015). Collection method: clinical testing. Allele origin: germline.
Comment: This sequence change replaces valine, which is neutral and non-polar, with isoleucine, which is neutral and non-polar, at codon 543 of the TCIRG1 protein (p.Val543Ile). This variant is present in population databases (rs763319140, gnomAD 0.004%). This variant has not been reported in the literature in individuals affected with TCIRG1-related conditions. ClinVar contains an entry for this variant (Variation ID: 991175). An algorithm developed to predict the effect of missense changes on protein structure and function outputs the following: PolyPhen-2: "Benign". The isoleucine amino acid residue is found in multiple mammalian species, which suggests that this missense change does not adversely affect protein function. In summary, the available evidence is currently insufficient to determine the role of this variant in disease. Therefore, it has been classified as a Variant of Uncertain Significance.

Fulgent Genetics
Classification: Uncertain significance for Autosomal recessive osteopetrosis 1. Last evaluated: 2021-10-26. Review status: criteria provided, single submitter. Criteria: ACMG Guidelines, 2015. Collection method: clinical testing. Allele origin: unknown.

Natera, Inc.
Classification: Uncertain significance for Infantile malignant osteopetrosis. Last evaluated: 2020-04-16. Review status: no assertion criteria provided. Collection method: clinical testing. Allele origin: germline. Not counted in ClinVar's aggregate classification.

NM_006019.4(TCIRG1):c.1627G>A (p.Val543Ile)

Gene: TCIRG1 (T cell immune regulator 1, ATPase H+ transporting V0 subunit a3; plus strand). Cytogenetic location: 11q13.2.
Variant type: single nucleotide variant.
Coding change: c.1627G>A on transcript NM_006019.4 (MANE Select); coding-DNA position 1627, G replaced by A.
Protein change: p.Val543Ile; replaces valine 543 with isoleucine.
Molecular consequence: missense variant.
Genome position (GRCh38, 1-based): chr11:68,048,951, G>A. VCF-style: chr11-68048951-G-A. GRCh37 (hg19) VCF-style: chr11-67816418-G-A.
Other names: c.733G>A, p.Val245Ile (NM_001351059.2); c.979G>A, p.Val327Ile (NM_006053.4); short protein forms V245I, V327I, V543I.
Identifiers: ClinVar variation 991175 (VCV000991175.4), dbSNP rs763319140, ClinGen allele CA6147207.